The following is an entry in ClinVar:

ClinVar aggregate classification (germline): Uncertain significance (1 of 4 stars; one submission).

Conditions:
Congenital prothrombin deficiency. Also called: Factor II deficiency; HYPOPROTHROMBINEMIA; Congenital factor II deficiency; Inherited prothrombin deficiency; Inherited hypoprothrombinemia; Hereditary factor II deficiency disease. Identifiers: Orphanet 325, MedGen C0272317, MONDO:0013361, OMIM 613679.

gnomAD v4.1: 1 of 1,614,160 alleles (0.000062%); highest among the groups gnomAD compares: Non-Finnish European, 0.000085%; no homozygotes.

Submission:

Labcorp Genetics (formerly Invitae), Labcorp
Classification: Uncertain significance for Congenital prothrombin deficiency. Last evaluated: 2024-10-03. Review status: criteria provided, single submitter. Criteria: Invitae Variant Classification Sherloc (09022015). Collection method: clinical testing. Allele origin: germline.
Comment: This sequence change replaces proline, which is neutral and non-polar, with arginine, which is basic and polar, at codon 326 of the F2 protein (p.Pro326Arg). This variant is not present in population databases (gnomAD no frequency). This variant has not been reported in the literature in individuals affected with F2-related conditions. Invitae Evidence Modeling of protein sequence and biophysical properties (such as structural, functional, and spatial information, amino acid conservation, physicochemical variation, residue mobility, and thermodynamic stability) indicates that this missense variant is not expected to disrupt F2 protein function with a negative predictive value of 80%. In summary, the available evidence is currently insufficient to determine the role of this variant in disease. Therefore, it has been classified as a Variant of Uncertain Significance.

NM_000506.5(F2):c.977C>G (p.Pro326Arg)

Gene: F2 (coagulation factor II, thrombin; plus strand). Cytogenetic location: 11p11.2.
Variant type: single nucleotide variant.
Coding change: c.977C>G on transcript NM_000506.5 (MANE Select); coding-DNA position 977, C replaced by G.
Protein change: p.Pro326Arg; replaces proline 326 with arginine.
Molecular consequence: missense variant.
Genome position (GRCh38, 1-based): chr11:46,726,600, C>G. VCF-style: chr11-46726600-C-G. GRCh37 (hg19) VCF-style: chr11-46748150-C-G.
Other names: short protein forms P326R.
Identifiers: ClinVar variation 3716015 (VCV003716015.2).
Genomic context (GRCh38, chr11:46,726,600, plus strand): 5'-ACTCAGACAGGGCCATCGAAGGGCGTACCGCCACCAGTGAGTACCAGACTTTCTTCAATC[C>G]GAGGACCTTTGGCTCGGGAGAGGCAGGTGAGGTAGTGGGCATCCGAGGGGATGCGGGGCT-3'
Protein context (NP_000497.1, residues 316-336): ATSEYQTFFN[Pro326Arg]RTFGSGEADC